The following is an entry in ClinVar:

ClinVar aggregate classification (germline): Uncertain significance (1 of 4 stars; one submission).

Conditions:
Familial meningioma. Also called: Meningioma, familial, susceptibility to. Identifiers: Orphanet 263662, MedGen C3551915, MONDO:0011789, OMIM 607174.

Submission:

Labcorp Genetics (formerly Invitae), Labcorp
Classification: Uncertain significance for Familial meningioma. Last evaluated: 2024-12-04. Review status: criteria provided, single submitter. Criteria: Invitae Variant Classification Sherloc (09022015). Collection method: clinical testing. Allele origin: germline.
Comment: This sequence change replaces glutamine, which is neutral and polar, with proline, which is neutral and non-polar, at codon 315 of the SMARCE1 protein (p.Gln315Pro). This variant is not present in population databases (gnomAD no frequency). This variant has not been reported in the literature in individuals affected with SMARCE1-related conditions. Invitae Evidence Modeling of protein sequence and biophysical properties (such as structural, functional, and spatial information, amino acid conservation, physicochemical variation, residue mobility, and thermodynamic stability) indicates that this missense variant is not expected to disrupt SMARCE1 protein function with a negative predictive value of 80%. In summary, the available evidence is currently insufficient to determine the role of this variant in disease. Therefore, it has been classified as a Variant of Uncertain Significance.

NM_003079.5(SMARCE1):c.944A>C (p.Gln315Pro)

Gene: SMARCE1 (SWI/SNF related BAF chromatin remodeling complex subunit E1; minus strand). Cytogenetic location: 17q21.2.
Variant type: single nucleotide variant.
Coding change: c.944A>C on transcript NM_003079.5 (MANE Select); coding-DNA position 944, A replaced by C.
Protein change: p.Gln315Pro; replaces glutamine 315 with proline.
Molecular consequence: missense variant.
Genome position (GRCh38, 1-based): chr17:40,630,797, T>G on the plus strand (A>C on the coding strand, the complement: SMARCE1 is on the minus strand). VCF-style: chr17-40630797-T-G. GRCh37 (hg19) VCF-style: chr17-38787049-T-G.
Other names: short protein forms Q315P.
Identifiers: ClinVar variation 3703033 (VCV003703033.2).